The following is an entry in ClinVar:

ClinVar aggregate classification (germline): Uncertain significance (1 of 4 stars; one submission).

Conditions:
Duchenne muscular dystrophy (DMD). Also called: MUSCULAR DYSTROPHY, PSEUDOHYPERTROPHIC PROGRESSIVE, DUCHENNE TYPE; Duchenne Muscular Dystrophy (DMD). Identifiers: Orphanet 98896, MedGen C0013264, MONDO:0010679, OMIM 310200.

Submission:

Labcorp Genetics (formerly Invitae), Labcorp
Classification: Uncertain significance for Duchenne muscular dystrophy. Last evaluated: 2022-02-27. Review status: criteria provided, single submitter. Criteria: Invitae Variant Classification Sherloc (09022015). Collection method: clinical testing. Allele origin: germline.
Comment: This variant is not present in population databases (gnomAD no frequency). This sequence change replaces tryptophan, which is neutral and slightly polar, with arginine, which is basic and polar, at codon 2585 of the DMD protein (p.Trp2585Arg). This variant has not been reported in the literature in individuals affected with DMD-related conditions. In summary, the available evidence is currently insufficient to determine the role of this variant in disease. Therefore, it has been classified as a Variant of Uncertain Significance. Algorithms developed to predict the effect of missense changes on protein structure and function are either unavailable or do not agree on the potential impact of this missense change (SIFT: "Tolerated"; PolyPhen-2: "Possibly Damaging"; Align-GVGD: "Class C0").

NM_004006.3(DMD):c.7753T>C (p.Trp2585Arg)

Gene: DMD (dystrophin; minus strand). Cytogenetic location: Xp21.1.
Variant type: single nucleotide variant.
Coding change: c.7753T>C on transcript NM_004006.3 (MANE Select); coding-DNA position 7753, T replaced by C.
Protein change: p.Trp2585Arg; replaces tryptophan 2585 with arginine.
Molecular consequence: missense variant.
Genome position (GRCh38, 1-based): chrX:31,679,494, A>G on the plus strand (T>C on the coding strand, the complement: DMD is on the minus strand). VCF-style: chrX-31679494-A-G. GRCh37 (hg19) VCF-style: chrX-31697611-A-G.
Other names: c.7729T>C, p.Trp2577Arg (NM_000109.4); c.7741T>C, p.Trp2581Arg (NM_004009.3); c.7384T>C, p.Trp2462Arg (NM_004010.3); c.3730T>C, p.Trp1244Arg (NM_004011.4); c.3721T>C, p.Trp1241Arg (NM_004012.4); c.373T>C, p.Trp125Arg (NM_004013.3, NM_004020.4, NM_004021.3 and 2 more transcripts); short protein forms W2585R, W2462R, W1241R, W1244R, W2581R, W125R, W2577R.
Identifiers: ClinVar variation 1386896 (VCV001386896.6), dbSNP rs765595016, ClinGen allele CA10378215.